The following is an entry in ClinVar:

ClinVar aggregate classification (germline): Uncertain significance (1 of 4 stars; one submission).

Allele frequency attached by ClinVar (database versions not stated): gnomAD exomes 0.00001; TOPMed 0.00001; ExAC 0.00002.
gnomAD v4.1: 11 of 1,614,116 alleles (0.00068%); highest among the groups gnomAD compares: African/African-American, 0.0027%; no homozygotes.

Submission:

Labcorp Genetics (formerly Invitae), Labcorp
Classification: Uncertain significance. Last evaluated: 2025-02-17. Review status: criteria provided, single submitter. Criteria: Invitae Variant Classification Sherloc (09022015). Collection method: clinical testing. Allele origin: germline.
Comment: This sequence change replaces valine, which is neutral and non-polar, with isoleucine, which is neutral and non-polar, at codon 896 of the GRM7 protein (p.Val896Ile). This variant is present in population databases (rs781301094, gnomAD 0.01%). This variant has not been reported in the literature in individuals affected with GRM7-related conditions. ClinVar contains an entry for this variant (Variation ID: 1945055). An algorithm developed to predict the effect of missense changes on protein structure and function (PolyPhen-2) suggests that this variant is likely to be tolerated. In summary, the available evidence is currently insufficient to determine the role of this variant in disease. Therefore, it has been classified as a Variant of Uncertain Significance.

NM_000844.4(GRM7):c.2686G>A (p.Val896Ile)

Gene: GRM7 (glutamate metabotropic receptor 7; plus strand). Cytogenetic location: 3p26.1.
Variant type: single nucleotide variant.
Coding change: c.2686G>A on transcript NM_000844.4 (MANE Select); coding-DNA position 2686, G replaced by A.
Protein change: p.Val896Ile; replaces valine 896 with isoleucine.
Molecular consequence: missense variant.
Genome position (GRCh38, 1-based): chr3:7,680,283, G>A. VCF-style: chr3-7680283-G-A. GRCh37 (hg19) VCF-style: chr3-7721970-G-A.
Other names: c.2686G>A, p.Val896Ile (NM_181874.3); short protein forms V896I.
Identifiers: ClinVar variation 1945055 (VCV001945055.5), dbSNP rs781301094, ClinGen allele CA2235165.